The following is an entry in ClinVar:

NM_001376.5(DYNC1H1):c.13685-81_13685-36dup

Gene: DYNC1H1 (dynein cytoplasmic 1 heavy chain 1; plus strand). Cytogenetic location: 14q32.31.
Variant type: Duplication.
Coding change: c.13685-81_13685-36dup on transcript NM_001376.5 (MANE Select); 81 bases into the intron before coding-DNA position 13685 through 36 bases into the intron before coding-DNA position 13685, 46 bases duplicated.
Molecular consequence: intron variant.
Genome position (GRCh38, 1-based): chr14:102,049,990-102,050,035, 46 bases duplicated; duplicating any 46 consecutive bases within chr14:102,049,988-102,050,035 gives the same sequence; the c. name uses the placement nearest the transcript's 3' end. GRCh37 (hg19): chr14:102,516,327-102,516,372.
Identifiers: ClinVar variation 681719 (VCV000681719.1), dbSNP rs879817539, ClinGen allele CA266989665.

ClinVar aggregate classification (germline): Benign (1 of 4 stars; one submission).

Submission:

GeneDx
Classification: Benign. Last evaluated: 2018-06-19. Review status: criteria provided, single submitter. Criteria: GeneDx Variant Classification (06012015). Collection method: clinical testing. Allele origin: germline. Affected: yes.
Comment: This variant is considered likely benign or benign based on one or more of the following criteria: it is a conservative change, it occurs at a poorly conserved position in the protein, it is predicted to be benign by multiple in silico algorithms, and/or has population frequency not consistent with disease.